The following is an entry in ClinVar:

NM_001001563.5(TIMM50):c.271G>A (p.Val91Met)

Gene: TIMM50 (translocase of inner mitochondrial membrane 50; plus strand). Cytogenetic location: 19q13.2.
Variant type: single nucleotide variant.
Coding change: c.271G>A on transcript NM_001001563.5 (MANE Select); coding-DNA position 271, G replaced by A.
Protein change: p.Val91Met; replaces valine 91 with methionine.
Molecular consequence: missense variant. On other transcripts: 5 prime UTR variant (1).
Genome position (GRCh38, 1-based): chr19:39,482,896, G>A. VCF-style: chr19-39482896-G-A. GRCh37 (hg19) VCF-style: chr19-39973536-G-A.
Other names: c.-10G>A (NM_001329559.2); short protein forms V91M.
Identifiers: ClinVar variation 2002413 (VCV002002413.4), dbSNP rs2514614369, ClinGen allele CA405786370.

ClinVar aggregate classification (germline): Uncertain significance (1 of 4 stars; one submission).

gnomAD v4.1: 1 of 1,614,100 alleles (0.000062%); highest among the groups gnomAD compares: African/African-American, 0.0013%; no homozygotes.

Submission:

Labcorp Genetics (formerly Invitae), Labcorp
Classification: Uncertain significance. Last evaluated: 2024-12-16. Review status: criteria provided, single submitter. Criteria: Invitae Variant Classification Sherloc (09022015). Collection method: clinical testing. Allele origin: germline.
Comment: This sequence change replaces valine, which is neutral and non-polar, with methionine, which is neutral and non-polar, at codon 194 of the TIMM50 protein (p.Val194Met). This variant is not present in population databases (gnomAD no frequency). This variant has not been reported in the literature in individuals affected with TIMM50-related conditions. ClinVar contains an entry for this variant (Variation ID: 2002413). An algorithm developed to predict the effect of missense changes on protein structure and function (PolyPhen-2) suggests that this variant is likely to be tolerated. In summary, the available evidence is currently insufficient to determine the role of this variant in disease. Therefore, it has been classified as a Variant of Uncertain Significance.